The following is an entry in ClinVar:

ClinVar aggregate classification (germline): Likely benign. Review status: criteria provided, multiple submitters, no conflicts (2 of 4 stars). 2 submissions from 2 submitters: Likely benign (2). Last evaluated 2025-10-27.

Allele frequency attached by ClinVar (database versions not stated): gnomAD exomes 0.00002; gnomAD 0.00008 and 0.00009; TOPMed 0.00009.
gnomAD v4.1: 67 of 1,530,190 alleles (0.0044%); highest among the groups gnomAD compares: African/African-American, 0.025%; no homozygotes.

Submissions (2):

Labcorp Genetics (formerly Invitae), Labcorp
Classification: Likely benign. Last evaluated: 2025-10-27. Review status: criteria provided, single submitter. Criteria: Invitae Variant Classification Sherloc (09022015). Collection method: clinical testing. Allele origin: germline.

Laboratory for Molecular Medicine, Mass General Brigham Personalized Medicine
Classification: Likely benign. Last evaluated: 2016-09-11. Review status: criteria provided, single submitter. Criteria: LMM Criteria. Collection method: clinical testing. Allele origin: germline. Observed: 1 variant allele.
Comment: c.7729+11G>A in intron 45 of OTOG: This variant is not expected to have clinical significance because it is not located within the splice consensus sequence.

NM_001292063.2(OTOG):c.7693+11G>A

Gene: OTOG (otogelin; plus strand). Cytogenetic location: 11p15.1.
Variant type: single nucleotide variant.
Coding change: c.7693+11G>A on transcript NM_001292063.2 (MANE Select); 11 bases into the intron after coding-DNA position 7693, G replaced by A.
Molecular consequence: intron variant.
Genome position (GRCh38, 1-based): chr11:17,635,198, G>A. VCF-style: chr11-17635198-G-A. GRCh37 (hg19) VCF-style: chr11-17656745-G-A.
Other names: c.7729+11G>A (NM_001277269.2).
Identifiers: ClinVar variation 505308 (VCV000505308.8), dbSNP rs976807214, ClinGen allele CA218499108.